The following is an entry in ClinVar:

NM_001244008.2(KIF1A):c.2401C>A (p.Gln801Lys)

Gene: KIF1A (kinesin family member 1A; minus strand). Cytogenetic location: 2q37.3.
Variant type: single nucleotide variant.
Coding change: c.2401C>A on transcript NM_001244008.2 (MANE Select); coding-DNA position 2401, C replaced by A.
Protein change: p.Gln801Lys; replaces glutamine 801 with lysine.
Molecular consequence: missense variant.
Genome position (GRCh38, 1-based): chr2:240,760,708, G>T on the plus strand (C>A on the coding strand, the complement: KIF1A is on the minus strand). VCF-style: chr2-240760708-G-T. GRCh37 (hg19) VCF-style: chr2-241700125-G-T.
Other names: c.2401C>A, p.Gln801Lys (NM_001320705.2, NM_001330289.2, NM_001379638.1); c.2476C>A, p.Gln826Lys (NM_001330290.2, NM_001379631.1, NM_001379634.1 and 2 more transcripts); c.2374C>A, p.Gln792Lys (NM_001379632.1, NM_001379633.1, NM_001379636.1 and 10 more transcripts); c.2449C>A, p.Gln817Lys (NM_001379637.1, NM_001379648.1); short protein forms Q817K, Q826K, Q792K, Q801K.
Identifiers: ClinVar variation 1480866 (VCV001480866.6), dbSNP rs2125889915, ClinGen allele CA351324613.

ClinVar aggregate classification (germline): Uncertain significance (1 of 4 stars; one submission).

Conditions:
Hereditary spastic paraplegia 30. Identifiers: Orphanet 101010, MedGen C5235139, MONDO:0012476.
Neuropathy, hereditary sensory, type 2C. Also called: KIF1A-Related HSAN2 (HSAN2C); Hereditary sensory and autonomic neuropathy type IIC. Identifiers: Orphanet 970, MedGen C3280168, MONDO:0013634, OMIM 614213.
Intellectual disability, autosomal dominant 9 (NESCAVS). Also called: KIF1A-Related Neurodevelopmental Disorder; NESCAV SYNDROME. Identifiers: Orphanet 662367, MedGen C5393830, MONDO:0013656, OMIM 614255.

Submission:

Labcorp Genetics (formerly Invitae), Labcorp
Classification: Uncertain significance for Hereditary spastic paraplegia 30; Neuropathy, hereditary sensory, type 2C; Intellectual disability, autosomal dominant 9. Last evaluated: 2022-08-22. Review status: criteria provided, single submitter. Criteria: Invitae Variant Classification Sherloc (09022015). Collection method: clinical testing. Allele origin: germline.
Comment: In summary, the available evidence is currently insufficient to determine the role of this variant in disease. Therefore, it has been classified as a Variant of Uncertain Significance. Advanced modeling of protein sequence and biophysical properties (such as structural, functional, and spatial information, amino acid conservation, physicochemical variation, residue mobility, and thermodynamic stability) performed at Invitae indicates that this missense variant is not expected to disrupt KIF1A protein function. ClinVar contains an entry for this variant (Variation ID: 1480866). This variant has not been reported in the literature in individuals affected with KIF1A-related conditions. This variant is not present in population databases (gnomAD no frequency). This sequence change replaces glutamine, which is neutral and polar, with lysine, which is basic and polar, at codon 792 of the KIF1A protein (p.Gln792Lys).